The following is an entry in ClinVar:

ClinVar aggregate classification (germline): Conflicting classifications of pathogenicity. Review status: criteria provided, conflicting classifications (1 of 4 stars). 4 submissions from 4 submitters: Pathogenic (1); Likely pathogenic (1); Uncertain significance (2). Last evaluated 2025-11-06.

Conditions:
Cardiomyopathy (CMYO). Also called: Cardiomyopathies. Identifiers: Orphanet 167848, MedGen C0878544, MONDO:0004994, HP:0001638. Inheritance: Various modes of inheritance.
Hypertrophic cardiomyopathy. Also called: HYPERTROPHIC MYOCARDIOPATHY. Identifiers: Orphanet 217569, MedGen C0007194, MeSH D002312, MONDO:0005045, HP:0001639.
Primary dilated cardiomyopathy (DCM). Also called: Dilated Cardiomyopathy. Identifiers: Orphanet 217604, MedGen C0007193, MeSH D002311, MONDO:0005021, HP:0001644. Inheritance: Various modes of inheritance.
Left ventricular noncompaction. Identifiers: Orphanet 54260, MedGen C1960469, MONDO:0018901, HP:0030682.
Hypertrophic cardiomyopathy 1 (CMH1). Also called: Familial hypertrophic cardiomyopathy 1; MYH7-Related Familial Hypertrophic Cardiomyopathy. Identifiers: MedGen C3495498, MONDO:0008647, OMIM 192600.
Myosin storage myopathy (CMYO7A). Also called: Scapuloperoneal myopathy, MYH7-related; MYOPATHY, HYALINE BODY, AUTOSOMAL DOMINANT; SCAPULOPERONEAL MUSCULAR DYSTROPHY; SCAPULOPERONEAL SYNDROME, MYOPATHIC TYPE; MYOPATHY WITH LYSIS OF TYPE I MYOFIBRILS; MYH7-related late-onset scapuloperoneal muscular dystrophy. Identifiers: Orphanet 437572, Orphanet 636965, MedGen C1842160, MONDO:0008409, OMIM 608358.
MYH7-related disorder. Also called: MYH7-related condition; MYH7-related disease; MYH7-related disorders.

Submissions (4):

Labcorp Genetics (formerly Invitae), Labcorp
Classification: Pathogenic for Hypertrophic cardiomyopathy. Last evaluated: 2025-11-06. Review status: criteria provided, single submitter. Criteria: Invitae Variant Classification Sherloc (09022015). Collection method: clinical testing. Allele origin: germline.
Comment: This sequence change replaces leucine, which is neutral and non-polar, with phenylalanine, which is neutral and non-polar, at codon 1386 of the MYH7 protein (p.Leu1386Phe). This variant is not present in population databases (gnomAD no frequency). This missense change has been observed in individuals with hypertrophic cardiomyopathy (PMID: 26743238, 27532257; internal data). ClinVar contains an entry for this variant (Variation ID: 179201). Invitae Evidence Modeling of protein sequence and biophysical properties (such as structural, functional, and spatial information, amino acid conservation, physicochemical variation, residue mobility, and thermodynamic stability) indicates that this missense variant is expected to disrupt MYH7 protein function with a positive predictive value of 95%. For these reasons, this variant has been classified as Pathogenic.

CHEO Genetics Diagnostic Laboratory, Children's Hospital of Eastern Ontario
Classification: Uncertain significance for Cardiomyopathy. Last evaluated: 2023-03-06. Review status: criteria provided, single submitter. Criteria: ACMG Guidelines, 2015. Collection method: clinical testing. Allele origin: germline.

Blueprint Genetics
Classification: Likely pathogenic for MYH7-related disorders. Last evaluated: 2022-12-19. Review status: criteria provided, single submitter. Criteria: ACMG Guidelines, 2015. Collection method: clinical testing. Allele origin: germline. Affected: yes. Observed: 2 variant alleles.

Laboratory for Molecular Medicine, Mass General Brigham Personalized Medicine
Classification: Uncertain significance. Last evaluated: 2018-09-06. Review status: criteria provided, single submitter. Criteria: LMM Criteria. Collection method: clinical testing. Allele origin: germline. Observed: 2 variant alleles.
Comment: proposed classification - variant undergoing re-assessment, contact laboratory

Literature cited by the submitters: PubMed 26743238 (cited by Labcorp Genetics (formerly Invitae), Labcorp and Laboratory for Molecular Medicine, Mass General Brigham Personalized Medicine); PubMed 27532257 (cited by Labcorp Genetics (formerly Invitae), Labcorp).

NM_000257.4(MYH7):c.4156C>T (p.Leu1386Phe)

Gene: MYH7 (myosin heavy chain 7; minus strand). Cytogenetic location: 14q11.2.
Variant type: single nucleotide variant.
Coding change: c.4156C>T on transcript NM_000257.4 (MANE Select); coding-DNA position 4156, C replaced by T.
Protein change: p.Leu1386Phe; replaces leucine 1386 with phenylalanine.
Molecular consequence: missense variant.
Genome position (GRCh38, 1-based): chr14:23,418,223, G>A on the plus strand (C>T on the coding strand, the complement: MYH7 is on the minus strand). VCF-style: chr14-23418223-G-A. GRCh37 (hg19) VCF-style: chr14-23887432-G-A.
Other names: short protein forms L1386F.
Identifiers: ClinVar variation 179201 (VCV000179201.18), dbSNP rs727504703, ClinGen allele CA014542.